The following is an entry in ClinVar:

NM_003701.4(TNFSF11):c.478C>T (p.Leu160Phe)

Genes: TNFSF11 (TNF superfamily member 11; plus strand), LOC126861753 (P300/CBP strongly-dependent group 1 enhancer GRCh37_chr13:43174688-43175887; plus strand). Cytogenetic location: 13q14.11.
Variant type: single nucleotide variant.
Coding change: c.478C>T on transcript NM_003701.4 (MANE Select); coding-DNA position 478, C replaced by T.
Protein change: p.Leu160Phe; replaces leucine 160 with phenylalanine.
Molecular consequence: missense variant.
Genome position (GRCh38, 1-based): chr13:42,600,927, C>T. VCF-style: chr13-42600927-C-T. GRCh37 (hg19) VCF-style: chr13-43175063-C-T.
Other names: c.259C>T, p.Leu87Phe (NM_033012.4); short protein forms L160F, L87F.
Identifiers: ClinVar variation 1443796 (VCV001443796.7), dbSNP rs753589384, ClinGen allele CA6967238.

ClinVar aggregate classification (germline): Uncertain significance (1 of 4 stars; one submission).

Allele frequency attached by ClinVar (database versions not stated): gnomAD 0.00001; gnomAD exomes 0.00001 and 0.00002; TOPMed 0.00001; ExAC 0.00002.
gnomAD v4.1: 21 of 1,614,022 alleles (0.0013%); highest among the groups gnomAD compares: Non-Finnish European, 0.0015%; no homozygotes.

Submission:

Labcorp Genetics (formerly Invitae), Labcorp
Classification: Uncertain significance. Last evaluated: 2024-11-05. Review status: criteria provided, single submitter. Criteria: Invitae Variant Classification Sherloc (09022015). Collection method: clinical testing. Allele origin: germline.
Comment: This sequence change replaces leucine, which is neutral and non-polar, with phenylalanine, which is neutral and non-polar, at codon 160 of the TNFSF11 protein (p.Leu160Phe). This variant is present in population databases (rs753589384, gnomAD 0.009%). This variant has not been reported in the literature in individuals affected with TNFSF11-related conditions. ClinVar contains an entry for this variant (Variation ID: 1443796). Invitae Evidence Modeling of protein sequence and biophysical properties (such as structural, functional, and spatial information, amino acid conservation, physicochemical variation, residue mobility, and thermodynamic stability) indicates that this missense variant is not expected to disrupt TNFSF11 protein function with a negative predictive value of 80%. In summary, the available evidence is currently insufficient to determine the role of this variant in disease. Therefore, it has been classified as a Variant of Uncertain Significance.